The following is an entry in ClinVar:

NM_004006.3(DMD):c.29_30del (p.Cys10fs)

Gene: DMD (dystrophin; minus strand). Cytogenetic location: Xp21.1.
Variant type: Deletion.
Coding change: c.29_30del on transcript NM_004006.3 (MANE Select); coding-DNA positions 29 to 30, 2 bases deleted (GT; older notation c.29_30delGT).
Protein change: p.Cys10fs; shifts the reading frame from cysteine 10.
Molecular consequence: frameshift variant. On other transcripts: intron variant (1).
Genome position (GRCh38, 1-based): chrX:33,211,283-33,211,284, AC deleted on the plus strand (GT on the coding strand, the reverse complement: DMD is on the minus strand); deleting any 2 consecutive bases within chrX:33,211,283-33,211,285 gives the same sequence; the c. name uses the placement nearest the transcript's 3' end. VCF-style (leftmost placement, unchanged base first): chrX-33211282-AAC-A. GRCh37 (hg19) VCF-style: chrX-33229399-AAC-A.
Other names: c.7+127975_7+127976del (NM_000109.4); short protein forms C10fs.
Identifiers: ClinVar variation 947255 (VCV000947255.8), dbSNP rs2051898232, ClinGen allele CA1139667381.
Genomic context (GRCh38, chrX:33,211,282, plus strand): 5'-CTTGTCACAAACTAAACGTTATGCCACAGTAAAATATATTTTTAGTTACTTTGTACTTAC[AAC>A]AGTCCTCTACTTCTTCCCACCAAAGCATTTTGAAAAGTGTATATCAAGGCAGCGATAAAA-3'

ClinVar aggregate classification (germline): Pathogenic (1 of 4 stars; one submission).

Conditions:
Duchenne muscular dystrophy (DMD). Also called: Duchenne Muscular Dystrophy (DMD); MUSCULAR DYSTROPHY, PSEUDOHYPERTROPHIC PROGRESSIVE, DUCHENNE TYPE. Identifiers: Orphanet 98896, MedGen C0013264, MONDO:0010679, OMIM 310200.

Submission:

Labcorp Genetics (formerly Invitae), Labcorp
Classification: Pathogenic for Duchenne muscular dystrophy. Last evaluated: 2019-06-29. Review status: criteria provided, single submitter. Criteria: Invitae Variant Classification Sherloc (09022015). Collection method: clinical testing. Allele origin: germline.
Comment: This sequence change creates a premature translational stop signal (p.Cys10Leufs*2) in the DMD gene. It is expected to result in an absent or disrupted protein product. This variant is not present in population databases (ExAC no frequency). This variant has not been reported in the literature in individuals with DMD-related conditions. Loss-of-function variants in DMD are known to be pathogenic (PMID: 16770791, 25007885). For these reasons, this variant has been classified as Pathogenic.

Literature cited by the submitters: PubMed 16770791; PubMed 25007885.